The following is an entry in ClinVar:

NM_014633.5(CTR9):c.613G>A (p.Gly205Ser)

Gene: CTR9 (CTR9 component of Paf1/RNA polymerase II complex; plus strand). Cytogenetic location: 11p15.4.
Variant type: single nucleotide variant.
Coding change: c.613G>A on transcript NM_014633.5 (MANE Select); coding-DNA position 613, G replaced by A.
Protein change: p.Gly205Ser; replaces glycine 205 with serine.
Molecular consequence: missense variant.
Genome position (GRCh38, 1-based): chr11:10,760,193, G>A. VCF-style: chr11-10760193-G-A. GRCh37 (hg19) VCF-style: chr11-10781740-G-A.
Other names: c.613G>A, p.Gly205Ser (NM_001346279.2); short protein forms G205S.
Identifiers: ClinVar variation 4752624 (VCV004752624.1).

ClinVar aggregate classification (germline): Uncertain significance (1 of 4 stars; one submission).

Submission:

Labcorp Genetics (formerly Invitae), Labcorp
Classification: Uncertain significance. Last evaluated: 2025-07-23. Review status: criteria provided, single submitter. Criteria: Invitae Variant Classification Sherloc (09022015). Collection method: clinical testing. Allele origin: germline.
Comment: This sequence change replaces glycine, which is neutral and non-polar, with serine, which is neutral and polar, at codon 205 of the CTR9 protein (p.Gly205Ser). This variant is not present in population databases (gnomAD no frequency). This variant has not been reported in the literature in individuals affected with CTR9-related conditions. An algorithm developed to predict the effect of missense changes on protein structure and function (PolyPhen-2) suggests that this variant is likely to be tolerated. In summary, the available evidence is currently insufficient to determine the role of this variant in disease. Therefore, it has been classified as a Variant of Uncertain Significance.